The following is an entry in ClinVar:

NM_001110354.2(ZP3):c.222C>A (p.Gly74=)

Gene: ZP3 (zona pellucida glycoprotein 3; plus strand). Cytogenetic location: 7q11.23.
Variant type: single nucleotide variant.
Coding change: c.222C>A on transcript NM_001110354.2 (MANE Select); coding-DNA position 222, C replaced by A.
Protein change: p.Gly74=; no amino-acid change (glycine 74 retained).
Molecular consequence: synonymous variant.
Genome position (GRCh38, 1-based): chr7:76,425,186, C>A. VCF-style: chr7-76425186-C-A. GRCh37 (hg19) VCF-style: chr7-76054503-C-A.
Other names: c.69C>A, p.Gly23= (NM_007155.6).
Identifiers: ClinVar variation 3234394 (VCV003234394.20), dbSNP rs143341902, ClinGen allele CA456332276.

ClinVar aggregate classification (germline): Likely benign (1 of 4 stars; one submission).

Submission:

CeGaT Center for Human Genetics Tuebingen
Classification: Likely benign. Last evaluated: 2024-03-01. Review status: criteria provided, single submitter. Criteria: CeGaT Center For Human Genetics Tuebingen Variant Classification Criteria Version 2. Collection method: clinical testing. Allele origin: germline. Affected: yes. Observed: 1 variant allele.
Comment: ZP3: PM2:Supporting, BP4, BP7